The following is an entry in ClinVar:

NM_000352.6(ABCC8):c.2422C>A (p.Gln808Lys)

Genes: ABCC8 (ATP binding cassette subfamily C member 8; minus strand), LOC110121471 (VISTA enhancer hs1977; plus strand). Cytogenetic location: 11p15.1.
Variant type: single nucleotide variant.
Coding change: c.2422C>A on transcript NM_000352.6 (MANE Select); coding-DNA position 2422, C replaced by A.
Protein change: p.Gln808Lys; replaces glutamine 808 with lysine.
Molecular consequence: missense variant. On other transcripts: non-coding transcript variant (1).
Genome position (GRCh38, 1-based): chr11:17,413,447, G>T on the plus strand (C>A on the coding strand, the complement: ABCC8 is on the minus strand). VCF-style: chr11-17413447-G-T. GRCh37 (hg19) VCF-style: chr11-17434994-G-T.
Other names: c.2425C>A, p.Gln809Lys (NM_001287174.3); c.2422C>A (NM_000352.4); c.2488C>A, p.Gln830Lys (NM_001351295.2); c.2422C>A, p.Gln808Lys (NM_001351296.2); c.2419C>A, p.Gln807Lys (NM_001351297.2); short protein forms Q808K, Q809K, Q830K, Q807K.
Identifiers: ClinVar variation 303773 (VCV000303773.10), dbSNP rs202189540, ClinGen allele CA5903144.
Genomic context (GRCh38, chr11:17,413,447, plus strand): 5'-TACTAACCCGTTCCCCAATCTGGGTCTGGTCTCCATGGGGCAGGATGTCGATGTCTGGCT[G>T]CAGAGAGCAGGCTTCAATGACCATCTTGTACCTGGCGTGGGTAGAGGCAGGGGATGCAGC-3'
Protein context (NP_000343.2, residues 798-818): YKMVIEACSL[Gln808Lys]PDIDILPHGD

ClinVar aggregate classification (germline): Conflicting classifications of pathogenicity. Review status: criteria provided, conflicting classifications (1 of 4 stars). 8 submissions from 6 submitters: Uncertain significance (5); Likely benign (3). Last evaluated 2025-12-18.

Conditions:
Type 2 diabetes mellitus. Also called: Type II diabetes mellitus. Identifiers: MedGen C0011860, MeSH D003924, MONDO:0005148, OMIM 125853, HP:0005978.
Leucine-induced hypoglycemia (LIH). Also called: LEUCINE-SENSITIVE HYPOGLYCEMIA OF INFANCY. Identifiers: MedGen C0271714, MONDO:0009415, OMIM 240800.
Hyperinsulinemic hypoglycemia, familial, 1 (HHF1). Also called: Persistent hyperinsulinemic hypoglycemia of infancy; HYPERINSULINISM, FAMILIAL, WITH PANCREATIC NESIDIOBLASTOSIS; HYPOGLYCEMIA, HYPERINSULINEMIC, OF INFANCY; NESIDIOBLASTOSIS OF PANCREAS; Persistent Hyperinsulinemia Hypoglycemia of Infancy. Identifiers: Orphanet 276575, Orphanet 276598, MedGen C2931832, MONDO:0009734, OMIM 256450.
Diabetes mellitus, transient neonatal, 2 (TNDM2). Identifiers: Orphanet 99886, MedGen C1835887, MONDO:0012480, OMIM 610374. Disease mechanism: loss of function.
Diabetes mellitus, permanent neonatal 3. Also called: ABCC8-Related Permanent Neonatal Diabetes Mellitus. Identifiers: MedGen C5394303, MONDO:0030088, OMIM 618857.
ABCC8-related disorder.
Inborn genetic diseases. Identifiers: MedGen C0950123, MeSH D030342.
Permanent neonatal diabetes mellitus (PNDM). Identifiers: Orphanet 99885, MedGen C1833104, MONDO:0100164, MONDO:0011643. Disease mechanism: gain of function.

Allele frequency attached by ClinVar (database versions not stated): ExAC 0.00004; gnomAD exomes 0.00005; gnomAD 0.00006 and 0.00007; TOPMed 0.00007; ESP Exome Variant Server 0.00008; 1000 Genomes Project 30x 0.00016; 1000 Genomes Project 0.00020.
gnomAD v4.1: 103 of 1,614,148 alleles (0.0064%); highest among the groups gnomAD compares: Middle Eastern, 0.033%; no homozygotes.

Submissions (8):

PreventionGenetics, part of Exact Sciences
Classification: Uncertain significance for ABCC8-related condition. Last evaluated: 2025-12-18. Review status: criteria provided, single submitter. Criteria: ACMG Guidelines, 2015. Collection method: clinical testing. Allele origin: germline.
Comment: The ABCC8 c.2422C>A variant is predicted to result in the amino acid substitution p.Gln808Lys. This variant has been reported in individuals with diabetes and pulmonary hypertension without further evidence for pathogenicity (Johnson et al. 2019. PubMed ID: 30191644; Zhu et al. 2019. PubMed ID: 31727138; Lago-Docampo et al. 2020. PubMed ID: 32934261; Castaño et al. 2020. PubMed ID: 33007923). This variant is reported in 0.017% of alleles in individuals of Latino descent in gnomAD. At this time, the clinical significance of this variant is uncertain due to the absence of conclusive functional and genetic evidence.

Labcorp Genetics (formerly Invitae), Labcorp
Classification: Uncertain significance. Last evaluated: 2024-10-17. Review status: criteria provided, single submitter. Criteria: Invitae Variant Classification Sherloc (09022015). Collection method: clinical testing. Allele origin: germline.
Comment: This sequence change replaces glutamine, which is neutral and polar, with lysine, which is basic and polar, at codon 808 of the ABCC8 protein (p.Gln808Lys). This variant is present in population databases (rs202189540, gnomAD 0.01%). This missense change has been observed in individual(s) with clinical features of ABCC8-related conditions (PMID: 25555642, 30191644). This variant is also known as Gln830Lys. ClinVar contains an entry for this variant (Variation ID: 303773). Invitae Evidence Modeling of protein sequence and biophysical properties (such as structural, functional, and spatial information, amino acid conservation, physicochemical variation, residue mobility, and thermodynamic stability) has been performed for this missense variant. However, the output from this modeling did not meet the statistical confidence thresholds required to predict the impact of this variant on ABCC8 protein function. In summary, the available evidence is currently insufficient to determine the role of this variant in disease. Therefore, it has been classified as a Variant of Uncertain Significance.

GeneDx
Classification: Uncertain significance. Last evaluated: 2024-07-26. Review status: criteria provided, single submitter. Criteria: GeneDx Variant Classification Process June 2021. Collection method: clinical testing. Allele origin: germline. Affected: yes.
Comment: In silico analysis supports that this missense variant has a deleterious effect on protein structure/function; This variant is associated with the following publications: (PMID: 30191644, 32934261, 32041611, 31727138, 33007923, 25555642, 33046911)

Fulgent Genetics
Classification: Uncertain significance for Type 2 diabetes mellitus; Leucine-induced hypoglycemia; Hyperinsulinemic hypoglycemia, familial, 1; Diabetes mellitus, transient neonatal, 2; Diabetes mellitus, permanent neonatal 3. Last evaluated: 2024-05-23. Review status: criteria provided, single submitter. Criteria: ACMG Guidelines, 2015. Collection method: clinical testing. Allele origin: germline.

Ambry Genetics
Classification: Uncertain significance for Inborn genetic diseases. Last evaluated: 2023-03-09. Review status: criteria provided, single submitter. Criteria: Ambry Variant Classification Scheme 2023. Collection method: clinical testing. Allele origin: germline.

Illumina Laboratory Services, Illumina
Classification: Likely benign for Hyperinsulinemic hypoglycemia, familial, 1. Last evaluated: 2017-04-27. Review status: criteria provided, single submitter. Criteria: ICSL Variant Classification Criteria 13 December 2019. Collection method: clinical testing. Allele origin: germline.
Comment: This variant was observed as part of a predisposition screen in an ostensibly healthy population. A literature search was performed for the gene, cDNA change, and amino acid change (where applicable). No publications were found based on this search. Allele frequency data from public databases allowed determination this variant is unlikely to cause disease. Therefore, this variant is classified as likely benign.

Illumina Laboratory Services, Illumina
Classification: Likely benign for Permanent neonatal diabetes mellitus 1. Last evaluated: 2017-04-27. Review status: criteria provided, single submitter. Criteria: ICSL Variant Classification Criteria 13 December 2019. Collection method: clinical testing. Allele origin: germline.
Comment: the same text as in the submission from Illumina Laboratory Services, Illumina above.

Illumina Laboratory Services, Illumina
Classification: Likely benign for Diabetes mellitus, transient neonatal, 2. Last evaluated: 2017-04-27. Review status: criteria provided, single submitter. Criteria: ICSL Variant Classification Criteria 13 December 2019. Collection method: clinical testing. Allele origin: germline.
Comment: the same text as in the submission from Illumina Laboratory Services, Illumina above.

Literature cited by the submitters: PubMed 25555642 (cited by Labcorp Genetics (formerly Invitae), Labcorp and Ambry Genetics); PubMed 30191644 (cited by Labcorp Genetics (formerly Invitae), Labcorp and Ambry Genetics); PubMed 33046911 (cited by Ambry Genetics).